The following is an entry in ClinVar:

NM_006005.3(WFS1):c.468G>T (p.Thr156=)

Gene: WFS1 (wolframin ER transmembrane glycoprotein; plus strand). Cytogenetic location: 4p16.1.
Variant type: single nucleotide variant.
Coding change: c.468G>T on transcript NM_006005.3 (MANE Select); coding-DNA position 468, G replaced by T.
Protein change: p.Thr156=; no amino-acid change (threonine 156 retained).
Molecular consequence: synonymous variant.
Genome position (GRCh38, 1-based): chr4:6,291,204, G>T. VCF-style: chr4-6291204-G-T. GRCh37 (hg19) VCF-style: chr4-6292931-G-T.
Other names: c.468G>T, p.Thr156= (NM_001145853.1).
Identifiers: ClinVar variation 976610 (VCV000976610.15), dbSNP rs201145164, ClinGen allele CA2838911.

ClinVar aggregate classification (germline): Conflicting classifications of pathogenicity. Review status: criteria provided, conflicting classifications (1 of 4 stars). 5 submissions from 4 submitters: Uncertain significance (1); Likely benign (4). Last evaluated 2025-12-20.

Conditions:
WFS1-Related Spectrum Disorders.
Autosomal dominant nonsyndromic hearing loss 6 (LFSNHL). Also called: DEAFNESS, AUTOSOMAL DOMINANT 14; DEAFNESS, AUTOSOMAL DOMINANT 38; Autosomal dominant nonsyndromic deafness 6; DEAFNESS, AUTOSOMAL DOMINANT 6; DIDMOAD (Diabetes Insipidus, Diabetes Mellitus, Optic Atrophy, and Deafness). Identifiers: Orphanet 90635, MedGen C1833021, MONDO:0010963, OMIM 600965.

Allele frequency attached by ClinVar (database versions not stated): TOPMed 0.00004; 1000 Genomes Project 0.00020; 1000 Genomes Project 30x 0.00031.
gnomAD v4.1: 25 of 1,612,378 alleles (0.0016%); highest among the groups gnomAD compares: Admixed American, 0.033%; no homozygotes.

Submissions (5):

Labcorp Genetics (formerly Invitae), Labcorp
Classification: Likely benign. Last evaluated: 2025-12-20. Review status: criteria provided, single submitter. Criteria: Invitae Variant Classification Sherloc (09022015). Collection method: clinical testing. Allele origin: germline.

Women's Health and Genetics/Laboratory Corporation of America, LabCorp
Classification: Likely benign. Last evaluated: 2025-12-03. Review status: criteria provided, single submitter. Criteria: LabCorp Variant Classification Summary - May 2015. Collection method: clinical testing. Allele origin: germline.

GeneDx
Classification: Likely benign. Last evaluated: 2021-03-30. Review status: criteria provided, single submitter. Criteria: GeneDx Variant Classification Process June 2021. Collection method: clinical testing. Allele origin: germline. Affected: yes.

Illumina Laboratory Services, Illumina
Classification: Likely benign for Autosomal dominant nonsyndromic hearing loss 6. Last evaluated: 2018-01-13. Review status: criteria provided, single submitter. Criteria: ICSL Variant Classification Criteria 13 December 2019. Collection method: clinical testing. Allele origin: germline.
Comment: This variant was observed in the ICSL laboratory as part of a predisposition screen in an ostensibly healthy population. It had not been previously curated by ICSL or reported in the Human Gene Mutation Database (HGMD: prior to June 1st, 2018), and was therefore a candidate for classification through an automated scoring system. Utilizing variant allele frequency, disease prevalence and penetrance estimates, and inheritance mode, an automated score was calculated to assess if this variant is too frequent to cause the disease. Based on the score and internal cut-off values, a variant classified as likely benign is not then subjected to further curation. The score for this variant resulted in a classification of likely benign for this disease.

Illumina Laboratory Services, Illumina
Classification: Uncertain significance for WFS1-Related Spectrum Disorders. Last evaluated: 2018-01-13. Review status: criteria provided, single submitter. Criteria: ICSL Variant Classification Criteria 13 December 2019. Collection method: clinical testing. Allele origin: germline.